The following is an entry in ClinVar:

ClinVar aggregate classification (germline): Likely benign (1 of 4 stars; one submission).

Conditions:
ESRP2-related disorder. Also called: ESRP2-related condition.

Submission:

PreventionGenetics, part of Exact Sciences
Classification: Likely benign for ESRP2-related condition. Last evaluated: 2025-03-14. Review status: criteria provided, single submitter. Criteria: ACMG Guidelines, 2015. Collection method: clinical testing. Allele origin: germline.
Comment: This variant is classified as likely benign based on ACMG/AMP sequence variant interpretation guidelines (Richards et al. 2015 PMID: 25741868, with internal and published modifications).

NM_024939.3(ESRP2):c.1827C>T (p.Ala609=)

Gene: ESRP2 (epithelial splicing regulatory protein 2; minus strand). Cytogenetic location: 16q22.1.
Variant type: single nucleotide variant.
Coding change: c.1827C>T on transcript NM_024939.3 (MANE Select); coding-DNA position 1827, C replaced by T.
Protein change: p.Ala609=; no amino-acid change (alanine 609 retained).
Molecular consequence: synonymous variant.
Genome position (GRCh38, 1-based): chr16:68,230,912, G>A on the plus strand (C>T on the coding strand, the complement: ESRP2 is on the minus strand). VCF-style: chr16-68230912-G-A. GRCh37 (hg19) VCF-style: chr16-68264815-G-A.
Other names: c.1857C>T, p.Ala619= (NM_001365264.1); c.1827C>T, p.Ala609= (NM_001365265.1).
Identifiers: ClinVar variation 4997469 (VCV004997469.1).